The following is an entry in ClinVar:

NM_001244008.2(KIF1A):c.4319-2A>G

Gene: KIF1A (kinesin family member 1A; minus strand). Cytogenetic location: 2q37.3.
Variant type: single nucleotide variant.
Coding change: c.4319-2A>G on transcript NM_001244008.2 (MANE Select); the canonical splice acceptor site of the intron before coding-DNA position 4319, A replaced by G.
Molecular consequence: splice acceptor variant.
Genome position (GRCh38, 1-based): chr2:240,723,560, T>C on the plus strand (A>G on the coding strand, the complement: KIF1A is on the minus strand). VCF-style: chr2-240723560-T-C. GRCh37 (hg19) VCF-style: chr2-241662977-T-C.
Other names: c.4016-2A>G (NM_001379653.1, NM_001379650.1, NM_001379641.1 and 2 more transcripts); c.4292-2A>G (NM_001379645.1, NM_001379633.1); c.4142-2A>G (NM_001379635.1, NM_001379646.1); c.4013-2A>G (NM_001379640.1); c.4040-2A>G (NM_001379639.1); c.4043-2A>G (NM_001379649.1, NM_001320705.2); c.4130-2A>G (NM_001379636.1); c.4295-2A>G (NM_001379632.1); and 7 more.
Identifiers: ClinVar variation 574244 (VCV000574244.7), dbSNP rs1559477798, ClinGen allele CA351305764.

ClinVar aggregate classification (germline): Likely pathogenic (1 of 4 stars; one submission).

Conditions:
Neuropathy, hereditary sensory, type 2C. Also called: KIF1A-Related HSAN2 (HSAN2C); Hereditary sensory and autonomic neuropathy type IIC. Identifiers: Orphanet 970, MedGen C3280168, MONDO:0013634, OMIM 614213.
Intellectual disability, autosomal dominant 9 (NESCAVS). Also called: NESCAV SYNDROME; KIF1A-Related Neurodevelopmental Disorder. Identifiers: Orphanet 662367, MedGen C5393830, MONDO:0013656, OMIM 614255.
Hereditary spastic paraplegia 30. Identifiers: Orphanet 101010, MedGen C5235139, MONDO:0012476.

Submission:

Labcorp Genetics (formerly Invitae), Labcorp
Classification: Likely pathogenic for Hereditary spastic paraplegia 30; Neuropathy, hereditary sensory, type 2C; Intellectual disability, autosomal dominant 9. Last evaluated: 2018-05-12. Review status: criteria provided, single submitter. Criteria: Invitae Variant Classification Sherloc (09022015). Collection method: clinical testing. Allele origin: germline.
Comment: In summary, the currently available evidence indicates that the variant is pathogenic, but additional data are needed to prove that conclusively. Therefore, this variant has been classified as Likely Pathogenic. Donor and acceptor splice site variants typically lead to a loss of protein function (PMID: 16199547), and loss-of-function variants in KIF1A are known to be pathogenic (PMID: 21820098). This variant has not been reported in the literature in individuals with KIF1A-related disease. This variant is not present in population databases (ExAC no frequency). This sequence change affects an acceptor splice site in intron 38 of the KIF1A gene. It is expected to disrupt RNA splicing and likely results in an absent or disrupted protein product.

Literature cited by the submitters: PubMed 16199547; PubMed 21820098.